The following is an entry in ClinVar:

ClinVar aggregate classification (germline): Uncertain significance (1 of 4 stars; one submission).

gnomAD v4.1: 1 of 1,614,058 alleles (0.000062%); highest among the groups gnomAD compares: Non-Finnish European, 0.000085%; no homozygotes.

Submission:

Labcorp Genetics (formerly Invitae), Labcorp
Classification: Uncertain significance. Last evaluated: 2025-09-25. Review status: criteria provided, single submitter. Criteria: Invitae Variant Classification Sherloc (09022015). Collection method: clinical testing. Allele origin: germline.
Comment: This sequence change replaces leucine, which is neutral and non-polar, with valine, which is neutral and non-polar, at codon 476 of the CRAT protein (p.Leu476Val). This variant is not present in population databases (gnomAD no frequency). This variant has not been reported in the literature in individuals affected with CRAT-related conditions. Invitae Evidence Modeling of protein sequence and biophysical properties (such as structural, functional, and spatial information, amino acid conservation, physicochemical variation, residue mobility, and thermodynamic stability) indicates that this missense variant is not expected to disrupt CRAT protein function with a negative predictive value of 80%. In summary, the available evidence is currently insufficient to determine the role of this variant in disease. Therefore, it has been classified as a Variant of Uncertain Significance.

NM_000755.5(CRAT):c.1426C>G (p.Leu476Val)

Gene: CRAT (carnitine O-acetyltransferase; minus strand). Cytogenetic location: 9q34.11.
Variant type: single nucleotide variant.
Coding change: c.1426C>G on transcript NM_000755.5 (MANE Select); coding-DNA position 1426, C replaced by G.
Protein change: p.Leu476Val; replaces leucine 476 with valine.
Molecular consequence: missense variant.
Genome position (GRCh38, 1-based): chr9:129,098,051, G>C on the plus strand (C>G on the coding strand, the complement: CRAT is on the minus strand). VCF-style: chr9-129098051-G-C. GRCh37 (hg19) VCF-style: chr9-131860330-G-C.
Other names: c.1363C>G, p.Leu455Val (NM_001257363.3, NM_001346548.2, NM_004003.4); c.1429C>G, p.Leu477Val (NM_001346546.2); c.1426C>G, p.Leu476Val (NM_001346547.2); c.1306C>G, p.Leu436Val (NM_001346549.2); short protein forms L436V, L455V, L476V, L477V.
Identifiers: ClinVar variation 4746778 (VCV004746778.1).